The following is an entry in ClinVar:

ClinVar aggregate classification (germline): Uncertain significance. Review status: criteria provided, multiple submitters, no conflicts (2 of 4 stars). 2 submissions from 2 submitters: Uncertain significance (2). Last evaluated 2025-03-31.

Conditions:
Hereditary cancer-predisposing syndrome. Also called: Tumor predisposition; Neoplastic Syndromes, Hereditary; Hereditary neoplastic syndrome; Hereditary Cancer Syndrome. Identifiers: Orphanet 140162, MedGen C0027672, MeSH D009386, MONDO:0015356.
Oligodontia-cancer predisposition syndrome. Also called: TOOTH AGENESIS-COLORECTAL CANCER SYNDROME. Identifiers: Orphanet 300576, MedGen C1837750, MONDO:0012075, OMIM 608615. Disease mechanism: loss of function.

Allele frequency attached by ClinVar (database versions not stated): gnomAD exomes below 0.00001.
gnomAD v4.1: 1 of 1,610,074 alleles (0.000062%); highest among the groups gnomAD compares: East Asian, 0.0022%; no homozygotes.

Submissions (2):

Labcorp Genetics (formerly Invitae), Labcorp
Classification: Uncertain significance for Oligodontia-cancer predisposition syndrome. Last evaluated: 2025-03-31. Review status: criteria provided, single submitter. Criteria: Invitae Variant Classification Sherloc (09022015). Collection method: clinical testing. Allele origin: germline.
Comment: This sequence change replaces proline, which is neutral and non-polar, with serine, which is neutral and polar, at codon 488 of the AXIN2 protein (p.Pro488Ser). This variant is not present in population databases (gnomAD no frequency). This variant has not been reported in the literature in individuals affected with AXIN2-related conditions. ClinVar contains an entry for this variant (Variation ID: 1517396). Invitae Evidence Modeling of protein sequence and biophysical properties (such as structural, functional, and spatial information, amino acid conservation, physicochemical variation, residue mobility, and thermodynamic stability) indicates that this missense variant is not expected to disrupt AXIN2 protein function with a negative predictive value of 80%. In summary, the available evidence is currently insufficient to determine the role of this variant in disease. Therefore, it has been classified as a Variant of Uncertain Significance.

Ambry Genetics
Classification: Uncertain significance for Hereditary cancer-predisposing syndrome. Last evaluated: 2024-05-02. Review status: criteria provided, single submitter. Criteria: Ambry Variant Classification Scheme 2023. Collection method: clinical testing. Allele origin: germline.
Comment: The p.P488S variant (also known as c.1462C>T), located in coding exon 5 of the AXIN2 gene, results from a C to T substitution at nucleotide position 1462. The proline at codon 488 is replaced by serine, an amino acid with similar properties. This amino acid position is conserved. In addition, this alteration is predicted to be tolerated by in silico analysis. Based on the available evidence, the clinical significance of this variant remains unclear.

NM_004655.4(AXIN2):c.1462C>T (p.Pro488Ser)

Gene: AXIN2 (axin 2; minus strand). Cytogenetic location: 17q24.1.
Variant type: single nucleotide variant.
Coding change: c.1462C>T on transcript NM_004655.4 (MANE Select); coding-DNA position 1462, C replaced by T.
Protein change: p.Pro488Ser; replaces proline 488 with serine.
Molecular consequence: missense variant.
Genome position (GRCh38, 1-based): chr17:65,537,574, G>A on the plus strand (C>T on the coding strand, the complement: AXIN2 is on the minus strand). VCF-style: chr17-65537574-G-A. GRCh37 (hg19) VCF-style: chr17-63533692-G-A.
Other names: c.1462C>T, p.Pro488Ser (NM_001363813.1); c.1462C>T (NM_004655.3); short protein forms P488S.
Identifiers: ClinVar variation 1517396 (VCV001517396.9), dbSNP rs2144462166, ClinGen allele CA400677450.